The following is an entry in ClinVar:

ClinVar aggregate classification (germline): Benign. Review status: criteria provided, multiple submitters, no conflicts (2 of 4 stars). 2 submissions from 2 submitters: Benign (2). Last evaluated 2024-01-24.

Allele frequency attached by ClinVar (database versions not stated): ESP Exome Variant Server 0.23295; ExAC 0.23956; gnomAD exomes 0.25360; 1000 Genomes Project 0.27995; 1000 Genomes Project 30x 0.28810; gnomAD 0.31301 and 0.32014; TOPMed 0.31639.
gnomAD v4.1: 418,787 of 1,537,032 alleles (27%); highest among the groups gnomAD compares: African/African-American, 44%; 59,599 homozygotes.

Submissions (2):

Unidad de Genómica Garrahan, Hospital de Pediatría Garrahan
Classification: Benign. Last evaluated: 2024-01-24. Review status: criteria provided, single submitter. Criteria: ACMG Guidelines, 2015. Collection method: clinical testing. Allele origin: germline. Affected: no. Observed: 43 variant alleles.
Comment: This variant is classified as Benign based on local population frequency. This variant was detected in 45% of patients studied by a panel of primary immunodeficiencies. Number of patients: 43. Only high quality variants are reported.

Breakthrough Genomics
Classification: Benign. Review status: criteria provided, single submitter. Criteria: ACMG Guidelines, 2015. Collection method: not provided. Allele origin: germline. Inheritance: Autosomal recessive inheritance. Affected: yes.

NM_014339.7(IL17RA):c.*34T>C

Gene: IL17RA (interleukin 17 receptor A; plus strand). Cytogenetic location: 22q11.1.
Variant type: single nucleotide variant.
Coding change: c.*34T>C on transcript NM_014339.7 (MANE Select); 34 bases downstream of the stop codon, T replaced by C.
Molecular consequence: 3 prime UTR variant.
Genome position (GRCh38, 1-based): chr22:17,109,854, T>C. VCF-style: chr22-17109854-T-C. GRCh37 (hg19) VCF-style: chr22-17590744-T-C.
Other names: c.*34T>C (NM_001289905.2).
Identifiers: ClinVar variation 340614 (VCV000340614.8), dbSNP rs1468488, ClinGen allele CA10087021.